The following is an entry in ClinVar:

ClinVar aggregate classification (germline): Uncertain significance (1 of 4 stars; one submission).

gnomAD v4.1: 68 of 1,614,178 alleles (0.0042%); highest among the groups gnomAD compares: South Asian, 0.07%; no homozygotes.

Submission:

GeneDx
Classification: Uncertain significance. Last evaluated: 2026-04-07. Review status: criteria provided, single submitter. Criteria: GeneDx Variant Classification Process June 2021. Collection method: clinical testing. Allele origin: germline.
Comment: In silico analysis supports that this missense variant has a deleterious effect on protein structure/function; Has not been previously published as pathogenic or benign to our knowledge

NM_000424.4(KRT5):c.713G>T (p.Gly238Val)

Genes: KRT5 (keratin 5; minus strand), LOC126861526 (BRD4-independent group 4 enhancer GRCh37_chr12:52912066-52913265; plus strand). Cytogenetic location: 12q13.13.
Variant type: single nucleotide variant.
Coding change: c.713G>T on transcript NM_000424.4 (MANE Select); coding-DNA position 713, G replaced by T.
Protein change: p.Gly238Val; replaces glycine 238 with valine.
Molecular consequence: missense variant.
Genome position (GRCh38, 1-based): chr12:52,519,003, C>A on the plus strand (G>T on the coding strand, the complement: KRT5 is on the minus strand). VCF-style: chr12-52519003-C-A. GRCh37 (hg19) VCF-style: chr12-52912787-C-A.
Other names: short protein forms G238V.
Identifiers: ClinVar variation 5018181 (VCV005018181.1).